The following is an entry in ClinVar:

GRCh38/hg38 7p14.3(chr7:30420933-34560665)x3

Genes: ADCYAP1R1 (ADCYAP receptor type I; plus strand), AQP1 (aquaporin 1 (Colton blood group); plus strand), AVL9 (AVL9 cell migration associated; plus strand), BBS9 (Bardet-Biedl syndrome 9; plus strand), BMPER (BMP binding endothelial regulator; plus strand) and 83 more. Cytogenetic location: 7p14.3.
Variant type: copy number gain.
Change: copy number 3 (three copies instead of two) of chr7:30,420,933-34,560,665 (4.14 Mb, GRCh38 coordinates, 1-based), cytogenetic band 7p14.3.
Identifiers: ClinVar variation 57469 (VCV000057469.1).

ClinVar aggregate classification (germline): Pathogenic (1 of 4 stars; one submission).

Submission:

ISCA site 4
Classification: Pathogenic. Last evaluated: 2011-08-12. Review status: criteria provided, single submitter. Criteria: Kaminsky et al. (Genet Med. 2011). Collection method: clinical testing. Allele origin: unknown. Affected: yes. Observed: 1 variant allele.
Comment: Copy number variation identified through the course of routine clinical cytogenomic testing in postnatal populations. Clinical assertions have been curated as described in Kaminsky et al. 2011.